The following is an entry in ClinVar:

ClinVar aggregate classification (germline): Likely pathogenic. Review status: reviewed by expert panel (3 of 4 stars). 7 submissions from 7 submitters: Likely pathogenic (1). 6 of the submissions do not count toward it. Last evaluated 2018-12-19.

Conditions:
Hereditary nonpolyposis colorectal neoplasms. Identifiers: MedGen C0009405, MeSH D003123.
Hereditary cancer-predisposing syndrome. Also called: Tumor predisposition; Neoplastic Syndromes, Hereditary; Hereditary Cancer Syndrome; Hereditary neoplastic syndrome. Identifiers: Orphanet 140162, MedGen C0027672, MeSH D009386, MONDO:0015356.
Lynch syndrome 5 (LYNCH5). Also called: Colorectal cancer, hereditary nonpolyposis, type 5; Hereditary non-polyposis colorectal cancer, type 5. Identifiers: Orphanet 144, MedGen C1833477, MONDO:0013710, OMIM 614350. Disease mechanism: loss of function.
Lynch syndrome. Identifiers: Orphanet 144, MedGen C4552100, MONDO:0005835. Disease mechanism: loss of function.

gnomAD v4.1: 5 of 1,610,198 alleles (0.00031%); highest among the groups gnomAD compares: Non-Finnish European, 0.00042%; no homozygotes.

Submissions (7):

International Society for Gastrointestinal Hereditary Tumours (InSiGHT)
Classification: Likely pathogenic for Lynch syndrome. Last evaluated: 2018-12-19. Review status: reviewed by expert panel. Criteria: Guidelines v2.4. Collection method: curation. Allele origin: germline. Affected: yes.
Comment: Multifactorial likelihood analysis posterior probability >0.95

GeneDx
Classification: Likely pathogenic. Last evaluated: 2026-08-24. Review status: criteria provided, single submitter. Criteria: GeneDx Variant Classification Process June 2021. Collection method: clinical testing. Allele origin: germline. Not counted in ClinVar's aggregate classification.
Comment: Published functional studies demonstrate a damaging effect: defective mismatch repair activity (PMID: 31965077, 40948606); Not observed at significant frequency in large population cohorts (gnomAD); In silico analysis supports that this missense variant has a deleterious effect on protein structure/function; This variant is associated with the following publications: (PMID: 17531815, 21120944, 40948606, 31965077, 25559809)

Ambry Genetics
Classification: Likely pathogenic for Hereditary cancer-predisposing syndrome. Last evaluated: 2026-02-27. Review status: criteria provided, single submitter. Criteria: Ambry Variant Classification Scheme 2023. Collection method: clinical testing. Allele origin: germline. Not counted in ClinVar's aggregate classification.
Comment: The p.A1055P variant (also known as c.3163G>C), located in coding exon 4 of the MSH6 gene, results from a G to C substitution at nucleotide position 3163. The alanine at codon 1055 is replaced by proline, an amino acid with highly similar properties. This variant has been observed in individuals whose Lynch-related tumor demonstrated loss of MSH6 expression on immunohistochemistry (IHC); however, this variant has also been observed in some individuals whose Lynch-related tumor was microsatellite stable (MSS) (Ambry internal data, external communication). A1055P demonstrated deficient protein function in an in vitro complementation assay compared to wild type MSH6 (Drost M et al. Genet. Med., 2020 May;22:847-856). Based on internal structural analysis using published crystal structures, this alteration destabilizes the structure of MSH6 in the lever domain (Warren JJ et al. Mol Cell, 2007 May;26:579-92). This amino acid position is highly conserved in available vertebrate species. In addition, this alteration is predicted to be deleterious by in silico analysis. This variant is considered to be rare based on population cohorts in the Genome Aggregation Database (gnomAD). Based on the majority of available evidence to date, this variant is likely to be pathogenic.

Molecular Pathology, Peter Maccallum Cancer Centre
Classification: Likely pathogenic for Lynch syndrome 5. Last evaluated: 2025-05-29. Review status: criteria provided, single submitter. Criteria: ACMG Guidelines, 2015. Collection method: clinical testing. Allele origin: germline. Inheritance: Autosomal dominant inheritance. Not counted in ClinVar's aggregate classification.

Labcorp Genetics (formerly Invitae), Labcorp
Classification: Uncertain significance for Hereditary nonpolyposis colorectal neoplasms. Last evaluated: 2025-04-24. Review status: criteria provided, single submitter. Criteria: Invitae Variant Classification Sherloc (09022015). Collection method: clinical testing. Allele origin: germline. Not counted in ClinVar's aggregate classification.
Comment: This sequence change replaces alanine, which is neutral and non-polar, with proline, which is neutral and non-polar, at codon 1055 of the MSH6 protein (p.Ala1055Pro). This variant is not present in population databases (gnomAD no frequency). This missense change has been observed in individual(s) with clinical features of Lynch syndrome (internal data). ClinVar contains an entry for this variant (Variation ID: 126892). Invitae Evidence Modeling of protein sequence and biophysical properties (such as structural, functional, and spatial information, amino acid conservation, physicochemical variation, residue mobility, and thermodynamic stability) has been performed for this missense variant. However, the output from this modeling did not meet the statistical confidence thresholds required to predict the impact of this variant on MSH6 protein function. Experimental studies have shown that this missense change affects MSH6 function (PMID: 31965077). In summary, the available evidence is currently insufficient to determine the role of this variant in disease. Therefore, it has been classified as a Variant of Uncertain Significance.

Color Diagnostics, LLC DBA Color Health
Classification: Likely pathogenic for Hereditary cancer-predisposing syndrome. Last evaluated: 2024-08-30. Review status: criteria provided, single submitter. Criteria: ACMG Guidelines, 2015. Collection method: clinical testing. Allele origin: germline. Not counted in ClinVar's aggregate classification.
Comment: This missense variant replaces alanine with proline at codon 1055 of the MSH6 protein. Computational prediction suggests that this variant may have deleterious impact on protein structure and function (internally defined REVEL score threshold >= 0.7, PMID: 27666373). A functional study has shown that this variant has 5.5% of wildtype mismatch repair activity in vitro (PMID: 31965077). This variant has been reported in individuals affected with Lynch syndrome or Lynch syndrome-associated cancer with tumor data demonstrating loss of MSH6 protein expression via immunohistochemistry analysis (PMID: 25559809; ClinVar SCV000277857.8, SCV001388045.5; LOVD database). However, it has also been reported in an individual whose Lynch syndrome-associated tumor was microsatellite stable (ClinVar SCV000277857.8) This variant has not been identified in the general population by the Genome Aggregation Database (gnomAD). Based on the available evidence, this variant is classified as Likely Pathogenic.

Myriad Genetics, Inc.
Classification: Likely pathogenic for Lynch syndrome 5. Last evaluated: 2023-08-22. Review status: criteria provided, single submitter. Criteria: Myriad Autosomal Dominant, Autosomal Recessive and X-Linked Classification Criteria (2023). Collection method: clinical testing. Allele origin: unknown. Not counted in ClinVar's aggregate classification.
Comment: This variant is considered likely pathogenic. Functional studies indicate this variant impacts protein function [PMID: 31965077]. This variant is expected to disrupt protein structure [Myriad internal data].

Literature cited by the submitters: PubMed 17531815 (cited by Ambry Genetics); PubMed 31965077 (cited by 4 submitters); PubMed 25559809 (cited by Color Diagnostics, LLC DBA Color Health).

NM_000179.3(MSH6):c.3163G>C (p.Ala1055Pro)

Gene: MSH6 (mutS homolog 6; plus strand). Cytogenetic location: 2p16.3.
Variant type: single nucleotide variant.
Coding change: c.3163G>C on transcript NM_000179.3 (MANE Select); coding-DNA position 3163, G replaced by C.
Protein change: p.Ala1055Pro; replaces alanine 1055 with proline.
Molecular consequence: missense variant.
Genome position (GRCh38, 1-based): chr2:47,801,146, G>C. VCF-style: chr2-47801146-G-C. GRCh37 (hg19) VCF-style: chr2-48028285-G-C.
Other names: c.2773G>C, p.Ala925Pro (NM_001281492.2); c.2257G>C, p.Ala753Pro (NM_001281493.2, NM_001281494.2); short protein forms A1055P, A753P, A925P.
Identifiers: ClinVar variation 126892 (VCV000126892.28), dbSNP rs587779254, ClinGen allele CA011702.